The following is an entry in ClinVar:

NM_001371623.1(TCOF1):c.2614G>A (p.Glu872Lys)

Gene: TCOF1 (treacle ribosome biogenesis factor 1; plus strand). Cytogenetic location: 5q32.
Variant type: single nucleotide variant.
Coding change: c.2614G>A on transcript NM_001371623.1 (MANE Select); coding-DNA position 2614, G replaced by A.
Protein change: p.Glu872Lys; replaces glutamic acid 872 with lysine.
Molecular consequence: missense variant.
Genome position (GRCh38, 1-based): chr5:150,379,364, G>A. VCF-style: chr5-150379364-G-A. GRCh37 (hg19) VCF-style: chr5-149758927-G-A.
Other names: c.2383G>A, p.Glu795Lys (NM_000356.4, NM_001135245.2); c.2614G>A, p.Glu872Lys (NM_001008657.3, NM_001135243.2, NM_001135244.2 and 1 more transcripts); short protein forms E795K, E872K.
Identifiers: ClinVar variation 1321513 (VCV001321513.8), dbSNP rs746560886, ClinGen allele CA3511207.

ClinVar aggregate classification (germline): Conflicting classifications of pathogenicity. Review status: criteria provided, conflicting classifications (1 of 4 stars). 2 submissions from 2 submitters: Uncertain significance (1); Likely benign (1). Last evaluated 2025-11-24.

Conditions:
Treacher Collins syndrome 1 (TCS1). Also called: TCOF1-Related Treacher Collins Syndrome. Identifiers: Orphanet 861, MedGen CN315775, MONDO:0007944, OMIM 154500.

Allele frequency attached by ClinVar (database versions not stated): ExAC 0.00001; gnomAD exomes 0.00001 and 0.00004; TOPMed 0.00001.
gnomAD v4.1: 13 of 1,613,420 alleles (0.00081%); highest among the groups gnomAD compares: Admixed American, 0.02%; no homozygotes.

Submissions (2):

Labcorp Genetics (formerly Invitae), Labcorp
Classification: Likely benign for Treacher Collins syndrome 1. Last evaluated: 2025-11-24. Review status: criteria provided, single submitter. Criteria: Invitae Variant Classification Sherloc (09022015). Collection method: clinical testing. Allele origin: germline.

GeneDx
Classification: Uncertain significance. Last evaluated: 2022-12-29. Review status: criteria provided, single submitter. Criteria: GeneDx Variant Classification Process June 2021. Collection method: clinical testing. Allele origin: germline. Affected: yes.
Comment: In silico analysis supports that this missense variant has a deleterious effect on protein structure/function; Has not been previously published as pathogenic or benign to our knowledge